The following is an entry in ClinVar:

ClinVar aggregate classification (germline): Uncertain significance (1 of 4 stars; one submission).

Allele frequency attached by ClinVar (database versions not stated): gnomAD exomes below 0.00001.
gnomAD v4.1: 1 of 1,614,160 alleles (0.000062%); highest among the groups gnomAD compares: Non-Finnish European, 0.000085%; no homozygotes.

Submission:

Labcorp Genetics (formerly Invitae), Labcorp
Classification: Uncertain significance. Last evaluated: 2022-11-25. Review status: criteria provided, single submitter. Criteria: Invitae Variant Classification Sherloc (09022015). Collection method: clinical testing. Allele origin: germline.
Comment: This sequence change replaces lysine, which is basic and polar, with glutamic acid, which is acidic and polar, at codon 920 of the RNF213 protein (p.Lys920Glu). This variant is present in population databases (no rsID available, gnomAD 0.0009%). This variant has not been reported in the literature in individuals affected with RNF213-related conditions. Advanced modeling of protein sequence and biophysical properties (such as structural, functional, and spatial information, amino acid conservation, physicochemical variation, residue mobility, and thermodynamic stability) performed at Invitae indicates that this missense variant is not expected to disrupt RNF213 protein function. In summary, the available evidence is currently insufficient to determine the role of this variant in disease. Therefore, it has been classified as a Variant of Uncertain Significance.

NM_001256071.3(RNF213):c.2758A>G (p.Lys920Glu)

Gene: RNF213 (ring finger protein 213; plus strand). Cytogenetic location: 17q25.3.
Variant type: single nucleotide variant.
Coding change: c.2758A>G on transcript NM_001256071.3 (MANE Select); coding-DNA position 2758, A replaced by G.
Protein change: p.Lys920Glu; replaces lysine 920 with glutamic acid.
Molecular consequence: missense variant.
Genome position (GRCh38, 1-based): chr17:80,313,114, A>G. VCF-style: chr17-80313114-A-G. GRCh37 (hg19) VCF-style: chr17-78286914-A-G.
Other names: c.2905A>G, p.Lys969Glu (NM_001410195.1, NM_020914.5); c.2758A>G, p.Lys920Glu (NM_020954.4); short protein forms K920E, K969E.
Identifiers: ClinVar variation 2816590 (VCV002816590.3), dbSNP rs1490352636, ClinGen allele CA401376338.